The following is an entry in ClinVar:

NM_006885.4(ZFHX3):c.4099dup (p.Cys1367fs)

Genes: ZFHX3 (zinc finger homeobox 3; minus strand), ZFHX3-AS1 (ZFHX3 antisense RNA 1; plus strand). Cytogenetic location: 16q22.2.
Variant type: Duplication.
Coding change: c.4099dup on transcript NM_006885.4 (MANE Select); coding-DNA position 4099, one base duplicated (T; older notation c.4099dupT).
Protein change: p.Cys1367fs; shifts the reading frame from cysteine 1367.
Molecular consequence: frameshift variant.
Genome position (GRCh38, 1-based): chr16:72,798,583, A duplicated on the plus strand (T on the coding strand, the reverse complement: ZFHX3 is on the minus strand). VCF-style (leftmost placement, unchanged base first): chr16-72798582-C-CA. GRCh37 (hg19) VCF-style: chr16-72832481-C-CA.
Other names: c.1357dup, p.Cys453fs (NM_001164766.2); c.4099dup, p.Cys1367fs (NM_001386735.1); short protein forms C1367fs, C453fs.
Identifiers: ClinVar variation 3342393 (VCV003342393.1).

ClinVar aggregate classification (germline): Uncertain significance (1 of 4 stars; one submission).

Submission:

GeneDx
Classification: Uncertain significance. Last evaluated: 2022-02-08. Review status: criteria provided, single submitter. Criteria: GeneDx Variant Classification Process June 2021. Collection method: clinical testing. Allele origin: germline. Affected: yes.
Comment: Frameshift variant predicted to result in protein truncation or nonsense mediated decay in a gene for which loss-of-function is not a known mechanism of disease; Not observed at significant frequency in large population cohorts (gnomAD); Has not been previously published as pathogenic or benign to our knowledge; Variants in candidate genes are classified as variants of uncertain significance in accordance with ACMG guidelines (Richards et al., 2015)